The following is an entry in ClinVar:

ClinVar aggregate classification (germline): Pathogenic (1 of 4 stars; one submission).

Conditions:
Primary ciliary dyskinesia. Also called: Ciliary dyskinesia. Identifiers: Orphanet 244, MedGen C0008780, MONDO:0016575, HP:0012265.

Allele frequency attached by ClinVar (database versions not stated): TOPMed below 0.00001.
gnomAD v4.1: 11 of 1,614,126 alleles (0.00068%); highest among the groups gnomAD compares: Non-Finnish European, 0.00093%; no homozygotes.

Submission:

Labcorp Genetics (formerly Invitae), Labcorp
Classification: Pathogenic for Primary ciliary dyskinesia. Last evaluated: 2021-11-10. Review status: criteria provided, single submitter. Criteria: Invitae Variant Classification Sherloc (09022015). Collection method: clinical testing. Allele origin: germline.
Comment: For these reasons, this variant has been classified as Pathogenic. This variant has not been reported in the literature in individuals affected with CCDC40-related conditions. This variant is not present in population databases (gnomAD no frequency). This sequence change creates a premature translational stop signal (p.Gln409*) in the CCDC40 gene. It is expected to result in an absent or disrupted protein product. Loss-of-function variants in CCDC40 are known to be pathogenic (PMID: 21131974, 22693285, 23255504).

Literature cited by the submitters: PubMed 21131974; PubMed 22693285; PubMed 23255504.

NM_017950.4(CCDC40):c.1225C>T (p.Gln409Ter)

Gene: CCDC40 (coiled-coil domain 40 molecular ruler complex subunit; plus strand). Cytogenetic location: 17q25.3.
Variant type: single nucleotide variant.
Coding change: c.1225C>T on transcript NM_017950.4 (MANE Select); coding-DNA position 1225, C replaced by T.
Protein change: p.Gln409Ter; replaces glutamine 409 with a stop codon.
Molecular consequence: nonsense.
Genome position (GRCh38, 1-based): chr17:80,058,559, C>T. VCF-style: chr17-80058559-C-T. GRCh37 (hg19) VCF-style: chr17-78032358-C-T.
Other names: c.1225C>T, p.Gln409Ter (NM_001243342.2, NM_001330508.2); short protein forms Q409*.
Identifiers: ClinVar variation 1390823 (VCV001390823.6), dbSNP rs1472033145, ClinGen allele CA401324174.